The following is an entry in ClinVar:

NM_017617.5(NOTCH1):c.4589C>T (p.Pro1530Leu)

Gene: NOTCH1 (notch receptor 1; minus strand). Cytogenetic location: 9q34.3.
Variant type: single nucleotide variant.
Coding change: c.4589C>T on transcript NM_017617.5 (MANE Select); coding-DNA position 4589, C replaced by T.
Protein change: p.Pro1530Leu; replaces proline 1530 with leucine.
Molecular consequence: missense variant.
Genome position (GRCh38, 1-based): chr9:136,505,102, G>A on the plus strand (C>T on the coding strand, the complement: NOTCH1 is on the minus strand). VCF-style: chr9-136505102-G-A. GRCh37 (hg19) VCF-style: chr9-139399554-G-A.
Other names: short protein forms P1530L.
Identifiers: ClinVar variation 1741687 (VCV001741687.3), dbSNP rs1435648862, ClinGen allele CA375646098.
Genomic context (GRCh38, chr9:136,505,102, plus strand): 5'-TTGCAGCCCTGGTCGCAGTGCCCGTCGCTGAAGTGGTCCTTGCAGTACTGGTCGTACAGG[G>A]GGCTGTGGGGGGCGGGACACGCTCAGGCCGCCTTCCTCGGGGGGCCTCGCACCCGCCGTC-3'
Protein context (NP_060087.3, residues 1520-1540): DCQRAEGQCN[Pro1530Leu]LYDQYCKDHF

ClinVar aggregate classification (germline): Uncertain significance. Review status: criteria provided, multiple submitters, no conflicts (2 of 4 stars). 2 submissions from 2 submitters: Uncertain significance (2). Last evaluated 2025-06-03.

Conditions:
Familial thoracic aortic aneurysm and aortic dissection (TAAD). Also called: Thoracic aortic aneurysms and dissections. Identifiers: Orphanet 91387, MedGen C4707243, MONDO:0019625.

Allele frequency attached by ClinVar (database versions not stated): TOPMed below 0.00001; gnomAD exomes 0.00001.
gnomAD v4.1: 7 of 1,607,938 alleles (0.00044%); highest among the groups gnomAD compares: East Asian, 0.011%; no homozygotes.

Submissions (2):

GeneDx
Classification: Uncertain significance. Last evaluated: 2025-06-03. Review status: criteria provided, single submitter. Criteria: GeneDx Variant Classification Process June 2021. Collection method: clinical testing. Allele origin: germline. Affected: yes.
Comment: Not observed at significant frequency in large population cohorts (gnomAD); In silico analysis supports that this missense variant has a deleterious effect on protein structure/function; Has not been previously published as pathogenic or benign to our knowledge

Ambry Genetics
Classification: Uncertain significance for Familial thoracic aortic aneurysm and aortic dissection. Last evaluated: 2021-07-30. Review status: criteria provided, single submitter. Criteria: Ambry Variant Classification Scheme 2023. Collection method: clinical testing. Allele origin: germline.
Comment: The p.P1530L variant (also known as c.4589C>T), located in coding exon 26 of the NOTCH1 gene, results from a C to T substitution at nucleotide position 4589. The proline at codon 1530 is replaced by leucine, an amino acid with similar properties. This amino acid position is conserved. In addition, the in silico prediction for this alteration is inconclusive. Since supporting evidence is limited at this time, the clinical significance of this alteration remains unclear.